The following is an entry in ClinVar:

ClinVar aggregate classification (germline): Uncertain significance (1 of 4 stars; one submission).

gnomAD v4.1: 1 of 1,614,156 alleles (0.000062%); highest among the groups gnomAD compares: East Asian, 0.0022%; no homozygotes.

Submission:

Women's Health and Genetics/Laboratory Corporation of America, LabCorp
Classification: Uncertain significance. Last evaluated: 2024-08-15. Review status: criteria provided, single submitter. Criteria: LabCorp Variant Classification Summary - May 2015. Collection method: clinical testing. Allele origin: germline.
Comment: Variant summary: DYSF c.6038C>T (p.Pro2013Leu) results in a non-conservative amino acid change in the encoded protein sequence. Five of five in-silico tools predict a damaging effect of the variant on protein function. The variant allele was found at a frequency of 4e-06 in 251086 control chromosomes. The available data on variant occurrences in the general population are insufficient to allow any conclusion about variant significance. c.6038C>T has been reported in the literature in individuals affected with MIyoshi distal myopathy (Park_2021). These data do not allow any conclusion about variant significance. To our knowledge, no experimental evidence demonstrating an impact on protein function has been reported. The following publication have been ascertained in the context of this evaluation (PMID: 33215690). No submitters have cited clinical-significance assessments for this variant to ClinVar. Based on the evidence outlined above, the variant was classified as uncertain significance.

Literature cited by the submitters: PubMed 33215690.

NM_001130987.2(DYSF):c.6155C>T (p.Pro2052Leu)

Gene: DYSF (dysferlin; plus strand). Cytogenetic location: 2p13.2.
Variant type: single nucleotide variant.
Coding change: c.6155C>T on transcript NM_001130987.2 (MANE Select); coding-DNA position 6155, C replaced by T.
Protein change: p.Pro2052Leu; replaces proline 2052 with leucine.
Molecular consequence: missense variant.
Genome position (GRCh38, 1-based): chr2:71,681,092, C>T. VCF-style: chr2-71681092-C-T. GRCh37 (hg19) VCF-style: chr2-71908222-C-T.
Other names: c.6041C>T, p.Pro2014Leu (NM_001130455.2); c.5996C>T, p.Pro1999Leu (NM_001130976.2); c.6059C>T, p.Pro2020Leu (NM_001130977.2); c.6101C>T, p.Pro2034Leu (NM_001130978.2); c.6131C>T, p.Pro2044Leu (NM_001130979.2); c.6089C>T, p.Pro2030Leu (NM_001130980.2); c.6152C>T, p.Pro2051Leu (NM_001130981.2); c.6134C>T, p.Pro2045Leu (NM_001130982.2); and 5 more; short protein forms P1999L, P2000L, P2013L, P2014L, P2020L, P2021L, P2030L, P2031L.
Identifiers: ClinVar variation 3366779 (VCV003366779.1).